The following is an entry in ClinVar:

ClinVar aggregate classification (germline): Uncertain significance (1 of 4 stars; one submission).

Submission:

GeneDx
Classification: Uncertain significance. Last evaluated: 2024-11-07. Review status: criteria provided, single submitter. Criteria: GeneDx Variant Classification Process June 2021. Collection method: clinical testing. Allele origin: germline. Affected: yes.
Comment: Not observed at significant frequency in large population cohorts (gnomAD); In silico analysis indicates that this missense variant does not alter protein structure/function; Has not been previously published as pathogenic or benign to our knowledge

NM_003632.3(CNTNAP1):c.3803A>G (p.Tyr1268Cys)

Gene: CNTNAP1 (contactin associated protein 1; plus strand). Cytogenetic location: 17q21.2.
Variant type: single nucleotide variant.
Coding change: c.3803A>G on transcript NM_003632.3 (MANE Select); coding-DNA position 3803, A replaced by G.
Protein change: p.Tyr1268Cys; replaces tyrosine 1268 with cysteine.
Molecular consequence: missense variant.
Genome position (GRCh38, 1-based): chr17:42,697,788, A>G. VCF-style: chr17-42697788-A-G. GRCh37 (hg19) VCF-style: chr17-40849806-A-G.
Other names: short protein forms Y1268C.
Identifiers: ClinVar variation 3899023 (VCV003899023.1).